The following is an entry in ClinVar:

ClinVar aggregate classification (germline): Uncertain significance. Review status: criteria provided, multiple submitters, no conflicts (2 of 4 stars). 2 submissions from 2 submitters: Uncertain significance (2). Last evaluated 2022-11-07.

Conditions:
Hereditary cancer-predisposing syndrome. Also called: Hereditary neoplastic syndrome; Neoplastic Syndromes, Hereditary; Hereditary Cancer Syndrome; Tumor predisposition. Identifiers: Orphanet 140162, MedGen C0027672, MeSH D009386, MONDO:0015356.
Pheochromocytoma. Also called: MAX-Related Hereditary Paraganglioma-Pheochromocytoma Syndrome. Identifiers: Orphanet 29072, MedGen C0031511, MONDO:0008233, OMIM 171300, HP:0002666.
Pheochromocytoma/paraganglioma syndrome 4. Also called: CAROTID BODY TUMORS AND MULTIPLE EXTRAADRENAL PHEOCHROMOCYTOMAS; PARAGANGLIOMA, FAMILIAL MALIGNANT; PARAGANGLIOMAS, HEREDITARY EXTRAADRENAL; PHEOCHROMOCYTOMA, FAMILIAL EXTRAADRENAL; Paragangliomas 4; SDHB-Related Hereditary Paraganglioma-Pheochromocytoma Syndrome (Paragangliomas 4). Identifiers: Orphanet 29072, MedGen C1861848, MONDO:0007273, OMIM 115310.
Gastrointestinal stromal tumor. Also called: Gastrointestinal stroma tumor; Gastrointestinal stromal tumor, somatic. Identifiers: Orphanet 44890, MedGen C0238198, MeSH D046152, MONDO:0011719, OMIM 606764, HP:0100723.

Submissions (2):

Ambry Genetics
Classification: Uncertain significance for Hereditary cancer-predisposing syndrome. Last evaluated: 2022-11-07. Review status: criteria provided, single submitter. Criteria: Ambry Variant Classification Scheme 2023. Collection method: clinical testing. Allele origin: germline.

Labcorp Genetics (formerly Invitae), Labcorp
Classification: Uncertain significance for Gastrointestinal stromal tumor; Pheochromocytoma/paraganglioma syndrome 4; Pheochromocytoma. Last evaluated: 2022-01-07. Review status: criteria provided, single submitter. Criteria: Invitae Variant Classification Sherloc (09022015). Collection method: clinical testing. Allele origin: germline.
Comment: In summary, the available evidence is currently insufficient to determine the role of this variant in disease. Therefore, it has been classified as a Variant of Uncertain Significance. Advanced modeling of protein sequence and biophysical properties (such as structural, functional, and spatial information, amino acid conservation, physicochemical variation, residue mobility, and thermodynamic stability) performed at Invitae indicates that this missense variant is not expected to disrupt SDHB protein function. This variant has not been reported in the literature in individuals affected with SDHB-related conditions. This variant is not present in population databases (gnomAD no frequency). This sequence change replaces isoleucine, which is neutral and non-polar, with valine, which is neutral and non-polar, at codon 39 of the SDHB protein (p.Ile39Val).

NM_003000.3(SDHB):c.115A>G (p.Ile39Val)

Gene: SDHB (succinate dehydrogenase complex iron sulfur subunit B; minus strand). Cytogenetic location: 1p36.13.
Variant type: single nucleotide variant.
Coding change: c.115A>G on transcript NM_003000.3 (MANE Select); coding-DNA position 115, A replaced by G.
Protein change: p.Ile39Val; replaces isoleucine 39 with valine.
Molecular consequence: missense variant.
Genome position (GRCh38, 1-based): chr1:17,044,846, T>C on the plus strand (A>G on the coding strand, the complement: SDHB is on the minus strand). VCF-style: chr1-17044846-T-C. GRCh37 (hg19) VCF-style: chr1-17371341-T-C.
Other names: c.115A>G, p.Ile39Val (NM_001407361.1); short protein forms I39V.
Identifiers: ClinVar variation 2077220 (VCV002077220.5), dbSNP rs2525059890, ClinGen allele CA338228260.